The following is an entry in ClinVar:

NM_003900.5(SQSTM1):c.803T>C (p.Leu268Pro)

Gene: SQSTM1 (sequestosome 1; plus strand). Cytogenetic location: 5q35.3.
Variant type: single nucleotide variant.
Coding change: c.803T>C on transcript NM_003900.5 (MANE Select); coding-DNA position 803, T replaced by C.
Protein change: p.Leu268Pro; replaces leucine 268 with proline.
Molecular consequence: missense variant.
Genome position (GRCh38, 1-based): chr5:179,833,080, T>C. VCF-style: chr5-179833080-T-C. GRCh37 (hg19) VCF-style: chr5-179260080-T-C.
Other names: c.551T>C, p.Leu184Pro (NM_001142298.2, NM_001142299.2); short protein forms L184P, L268P.
Identifiers: ClinVar variation 3233646 (VCV003233646.2), dbSNP rs757045797, ClinGen allele CA3600688.

ClinVar aggregate classification (germline): Uncertain significance (1 of 4 stars; one submission).

Allele frequency attached by ClinVar (database versions not stated): TOPMed below 0.00001; ExAC 0.00001; gnomAD exomes 0.00001.
gnomAD v4.1: 3 of 1,614,228 alleles (0.00019%); highest among the groups gnomAD compares: Non-Finnish European, 0.00025%; no homozygotes.

Submission:

Women's Health and Genetics/Laboratory Corporation of America, LabCorp
Classification: Uncertain significance. Last evaluated: 2024-03-05. Review status: criteria provided, single submitter. Criteria: LabCorp Variant Classification Summary - May 2015. Collection method: clinical testing. Allele origin: germline.
Comment: Variant summary: SQSTM1 c.803T>C (p.Leu268Pro) results in a non-conservative amino acid change in the encoded protein sequence. Four of five in-silico tools predict a damaging effect of the variant on protein function. The variant allele was found at a frequency of 8e-06 in 251456 control chromosomes. The available data on variant occurrences in the general population are insufficient to allow any conclusion about variant significance. To our knowledge, no occurrence of c.803T>C in individuals affected with SQSTM1-Related Disorders and no experimental evidence demonstrating its impact on protein function have been reported. No submitters have cited clinical-significance assessments for this variant to ClinVar. Based on the evidence outlined above, the variant was classified as uncertain significance.